The following is an entry in ClinVar:

ClinVar aggregate classification (germline): Likely benign (0 of 4 stars; one submission).

Conditions:
PLXNA4-related disorder. Also called: PLXNA4-related condition.

gnomAD v4.1: 4 of 1,610,836 alleles (0.00025%); highest among the groups gnomAD compares: East Asian, 0.0067%; no homozygotes.

Submission:

PreventionGenetics, part of Exact Sciences
Classification: Likely benign for PLXNA4-related condition. Last evaluated: 2024-05-06. Review status: no assertion criteria provided. Collection method: clinical testing. Allele origin: germline.
Comment: This variant is classified as likely benign based on ACMG/AMP sequence variant interpretation guidelines (Richards et al. 2015 PMID: 25741868, with internal and published modifications).

NM_020911.2(PLXNA4):c.2995C>A (p.Arg999=)

Gene: PLXNA4 (plexin A4; minus strand). Cytogenetic location: 7q32.3.
Variant type: single nucleotide variant.
Coding change: c.2995C>A on transcript NM_020911.2 (MANE Select); coding-DNA position 2995, C replaced by A.
Protein change: p.Arg999=; no amino-acid change (arginine 999 retained).
Molecular consequence: synonymous variant.
Genome position (GRCh38, 1-based): chr7:132,185,462, G>T on the plus strand (C>A on the coding strand, the complement: PLXNA4 is on the minus strand). VCF-style: chr7-132185462-G-T. GRCh37 (hg19) VCF-style: chr7-131870221-G-T.
Other names: c.2995C>A, p.Arg999= (NM_001393897.1).
Identifiers: ClinVar variation 3350876 (VCV003350876.1).